The following is an entry in ClinVar:

NM_003640.5(ELP1):c.3286-1G>A

Gene: ELP1 (elongator acetyltransferase complex subunit 1; minus strand). Cytogenetic location: 9q31.3.
Variant type: single nucleotide variant.
Coding change: c.3286-1G>A on transcript NM_003640.5 (MANE Select); the canonical splice acceptor site of the intron before coding-DNA position 3286, G replaced by A.
Molecular consequence: splice acceptor variant.
Genome position (GRCh38, 1-based): chr9:108,881,766, C>T on the plus strand (G>A on the coding strand, the complement: ELP1 is on the minus strand). VCF-style: chr9-108881766-C-T. GRCh37 (hg19) VCF-style: chr9-111644046-C-T.
Other names: c.3286-1G>A (NM_003640.4); c.2944-1G>A (NM_001318360.2); c.2239-1G>A (NM_001330749.2).
Identifiers: ClinVar variation 2914259 (VCV002914259.7), dbSNP rs1159691474, ClinGen allele CA374413351.

ClinVar aggregate classification (germline): Pathogenic/Likely pathogenic. Review status: criteria provided, multiple submitters, no conflicts (2 of 4 stars). 5 submissions from 5 submitters: Pathogenic (1); Likely pathogenic (4). Last evaluated 2025-08-30.

Conditions:
Familial dysautonomia. Also called: HSAN III; FD. Identifiers: Orphanet 1764, MedGen C0013364, MONDO:0009131, OMIM 223900. Disease mechanism: loss of function.
ELP1-Associated Medulloblastoma. Identifiers: MedGen C5670652.
Medulloblastoma (MDB). Also called: Medulloblastoma, somatic; MEDULLOBLASTOMA PREDISPOSITION SYNDROME. Identifiers: Orphanet 616, MedGen C0025149, MeSH D008527, MONDO:0007959, OMIM 155255, HP:0002885.

Submissions (5):

Natera, Inc.
Classification: Likely pathogenic for Familial dysautonomia. Last evaluated: 2025-08-30. Review status: criteria provided, single submitter. Criteria: Natera Variant Classification Schema (03/2026). Collection method: clinical testing. Allele origin: germline.
Comment: The c.3286-1G>A variant in ELP1 is a canonical splice acceptor site variant predicted to affect pre-mRNA splicing, which may result in an abnormal transcript and altered protein product. This variant is expected to result in nonsense mediated decay, truncation, or a dysfunctional protein product. This variant is rare in the general population with a frequency below the threshold expected for the associated phenotype(s). Given the available evidence, this variant is classified as Likely Pathogenic.

Institute for Genomic Medicine (IGM) Clinical Laboratory, Nationwide Children's Hospital
Classification: Likely pathogenic for ELP1-Associated Medulloblastoma. Last evaluated: 2025-07-01. Review status: criteria provided, single submitter. Criteria: ACMG Guidelines, 2015. Collection method: clinical testing. Allele origin: germline.
Comment: This variant is predicted to result in loss of function through nonsense-mediated decay of the encoded transcript or premature truncation of the encoded protein in a gene in which loss of function is a known mechanism of disease (ACMG/AMP: PVS1). This variant is absent from or present at an exceedingly low frequency in gnomAD, a large-scale control population database (ACMG/AMP: PM2).

Myriad Genetics, Inc.
Classification: Likely pathogenic for Familial dysautonomia. Last evaluated: 2025-05-14. Review status: criteria provided, single submitter. Criteria: Myriad Autosomal Dominant, Autosomal Recessive and X-Linked Classification Criteria (2023). Collection method: clinical testing. Allele origin: unknown.
Comment: NM_003640.3(ELP1):c.3286-1G>A is a variant in a canonical splice site classified as likely pathogenic in the context of familial dysautonomia. c.3286-1G>A has not been observed in cases with relevant disease. Relevant functional assessments of this variant are not available in the literature. c.3286-1G>A has not been observed in referenced population frequency databases. In summary, NM_003640.3(ELP1):c.3286-1G>A is a variant in a canonical splice site in a gene where loss of function is a known mechanism of disease and is predicted to disrupt protein function. Please note: this variant was assessed in the context of healthy population screening.

St. Jude Molecular Pathology, St. Jude Children's Research Hospital
Classification: Pathogenic for Medulloblastoma. Last evaluated: 2024-02-26. Review status: criteria provided, single submitter. Criteria: St. Jude Assertion Criteria 2020. Collection method: clinical testing. Allele origin: germline. Affected: yes.
Comment: The ELP1 c.3286-1G>A intronic change results in a G to A substitution at the -1 position of intron 30 of the ELP1 gene. This variant is predicted to result in skipping of exon 31, resulting in nonsense-mediated decay or an abnormal protein product. It is also absent in gnomAD v2.1.1. In summary, this variant meets criteria to be classified as pathogenic.

Labcorp Genetics (formerly Invitae), Labcorp
Classification: Likely pathogenic. Last evaluated: 2023-06-28. Review status: criteria provided, single submitter. Criteria: Invitae Variant Classification Sherloc (09022015). Collection method: clinical testing. Allele origin: germline.
Comment: This sequence change affects an acceptor splice site in intron 30 of the ELP1 gene. It is expected to disrupt RNA splicing. Variants that disrupt the donor or acceptor splice site typically lead to a loss of protein function (PMID: 16199547), and loss-of-function variants in ELP1 are known to be pathogenic (PMID: 18303054, 24173031). In summary, the currently available evidence indicates that the variant is pathogenic, but additional data are needed to prove that conclusively. Therefore, this variant has been classified as Likely Pathogenic. Algorithms developed to predict the effect of sequence changes on RNA splicing suggest that this variant may disrupt the consensus splice site. This variant has not been reported in the literature in individuals affected with ELP1-related conditions. This variant is not present in population databases (gnomAD no frequency).

Literature cited by the submitters: PubMed 16199547 (cited by Labcorp Genetics (formerly Invitae), Labcorp); PubMed 18303054 (cited by Labcorp Genetics (formerly Invitae), Labcorp); PubMed 24173031 (cited by Labcorp Genetics (formerly Invitae), Labcorp).